The following is an entry in ClinVar:

NM_001034853.2(RPGR):c.2041_2042del (p.Lys681fs)

Gene: RPGR (retinitis pigmentosa GTPase regulator; minus strand). Cytogenetic location: Xp11.4.
Variant type: Deletion.
Coding change: c.2041_2042del on transcript NM_001034853.2 (MANE Select); coding-DNA positions 2041 to 2042, 2 bases deleted (AA; older notation c.2041_2042delAA).
Protein change: p.Lys681fs; shifts the reading frame from lysine 681.
Molecular consequence: frameshift variant. On other transcripts: intron variant (8).
Genome position (GRCh38, 1-based): chrX:38,286,957-38,286,958, TT deleted on the plus strand (AA on the coding strand, the reverse complement: RPGR is on the minus strand). VCF-style (leftmost placement, unchanged base first): chrX-38286956-CTT-C. GRCh37 (hg19) VCF-style: chrX-38146209-CTT-C.
Other names: c.1569+4001_1569+4002del (NM_001367249.1, NM_001367250.1); c.1902+136_1902+137del (NM_001367245.1); c.1386+4001_1386+4002del (NM_001367251.1); c.1719+136_1719+137del (NM_001367246.1); c.1572+4001_1572+4002del (NM_001367247.1); c.1905+136_1905+137del (NM_000328.3); c.1602+4001_1602+4002del (NM_001367248.1); short protein forms K681fs.
Identifiers: ClinVar variation 865836 (VCV000865836.2), dbSNP rs1569237670, ClinGen allele CA640957304.

ClinVar aggregate classification (germline): Likely pathogenic. Review status: criteria provided, single submitter (1 of 4 stars). 2 submissions from 1 submitter: Likely pathogenic (1). 1 of the submissions does not count toward it. Last evaluated 2018-12-27.

Conditions:
Retinitis pigmentosa 3. Also called: CHOROIDORETINAL DEGENERATION WITH RETINAL REFLEX IN HETEROZYGOUS WOMEN. Identifiers: Orphanet 791, MedGen C1845667, MONDO:0010227, OMIM 300029.
Retinal dystrophy. Also called: Inherited retinal dystrophy. Identifiers: Orphanet 71862, MedGen C0854723, MeSH D058499, MONDO:0019118, HP:0000556.

Allele frequency attached by ClinVar (database versions not stated): gnomAD exomes below 0.00001 and 0.00001.

Submissions (2):

Blueprint Genetics
Classification: Likely pathogenic for Retinal dystrophy. Last evaluated: 2018-12-27. Review status: criteria provided, single submitter. Criteria: Blueprint Genetics Variant Classification Scheme. Collection method: clinical testing. Allele origin: germline. Affected: yes.

Blueprint Genetics
Classification: Likely pathogenic for Retinitis pigmentosa 3. Review status: no assertion criteria provided. Collection method: clinical testing. Allele origin: germline. Affected: yes. Not counted in ClinVar's aggregate classification.